The following is an entry in ClinVar:

ClinVar aggregate classification (germline): Conflicting classifications of pathogenicity. Review status: criteria provided, conflicting classifications (1 of 4 stars). 2 submissions from 2 submitters: Uncertain significance (1); Likely benign (1). Last evaluated 2020-09-22.

Allele frequency attached by ClinVar (database versions not stated): gnomAD exomes below 0.00001; TOPMed 0.00003.
gnomAD v4.1: 2 of 1,596,322 alleles (0.00013%); highest among the groups gnomAD compares: African/African-American, 0.0013%; no homozygotes.

Submissions (2):

Ambry Genetics
Classification: Likely benign. Last evaluated: 2020-09-22. Review status: criteria provided, single submitter. Criteria: Ambry Variant Classification Scheme 2023. Collection method: clinical testing. Allele origin: germline.

Labcorp Genetics (formerly Invitae), Labcorp
Classification: Uncertain significance. Last evaluated: 2020-07-08. Review status: criteria provided, single submitter. Criteria: Invitae Variant Classification Sherloc (09022015). Collection method: clinical testing. Allele origin: germline.
Comment: This sequence change replaces serine with asparagine at codon 84 of the RINT1 protein (p.Ser84Asn). The serine residue is weakly conserved and there is a small physicochemical difference between serine and asparagine. In summary, the available evidence is currently insufficient to determine the role of this variant in disease. Therefore, it has been classified as a Variant of Uncertain Significance. Algorithms developed to predict the effect of missense changes on protein structure and function output the following: SIFT: "Tolerated"; PolyPhen-2: "Benign"; Align-GVGD: "Class C0". The asparagine amino acid residue is found in multiple mammalian species, suggesting that this missense change does not adversely affect protein function. These predictions have not been confirmed by published functional studies and their clinical significance is uncertain. This variant has not been reported in the literature in individuals with RINT1-related conditions. This variant is not present in population databases (ExAC no frequency).

NM_021930.6(RINT1):c.251G>A (p.Ser84Asn)

Gene: RINT1 (RAD50 interactor 1; plus strand). Cytogenetic location: 7q22.3.
Variant type: single nucleotide variant.
Coding change: c.251G>A on transcript NM_021930.6 (MANE Select); coding-DNA position 251, G replaced by A.
Protein change: p.Ser84Asn; replaces serine 84 with asparagine.
Molecular consequence: missense variant. On other transcripts: 5 prime UTR variant (3), non-coding transcript variant (1), intron variant (1).
Genome position (GRCh38, 1-based): chr7:105,536,727, G>A. VCF-style: chr7-105536727-G-A. GRCh37 (hg19) VCF-style: chr7-105177174-G-A.
Other names: c.-769G>A (NM_001346600.2); c.-672G>A (NM_001346601.2); c.-292G>A (NM_001346603.2); c.39+115G>A (NM_001346599.2); short protein forms S84N.
Identifiers: ClinVar variation 1054276 (VCV001054276.11), dbSNP rs1017536954, ClinGen allele CA164046993.